The following is an entry in ClinVar:

ClinVar aggregate classification (germline): Uncertain significance (1 of 4 stars; one submission).

Submission:

Ambry Genetics
Classification: Uncertain significance. Last evaluated: 2024-01-16. Review status: criteria provided, single submitter. Criteria: Ambry Variant Classification Scheme 2023. Collection method: clinical testing. Allele origin: germline.
Comment: The p.K114E variant (also known as c.340A>G), located in coding exon 1 of the TERF2IP gene, results from an A to G substitution at nucleotide position 340. The lysine at codon 114 is replaced by glutamic acid, an amino acid with similar properties. This amino acid position is conserved. In addition, this alteration is predicted to be tolerated by in silico analysis. Since supporting evidence is limited at this time, the clinical significance of this alteration remains unclear.

NM_018975.4(TERF2IP):c.340A>G (p.Lys114Glu)

Gene: TERF2IP (TERF2 interacting protein; plus strand). Cytogenetic location: 16q23.1.
Variant type: single nucleotide variant.
Coding change: c.340A>G on transcript NM_018975.4 (MANE Select); coding-DNA position 340, A replaced by G.
Protein change: p.Lys114Glu; replaces lysine 114 with glutamic acid.
Molecular consequence: missense variant. On other transcripts: non-coding transcript variant (1).
Genome position (GRCh38, 1-based): chr16:75,648,222, A>G. VCF-style: chr16-75648222-A-G. GRCh37 (hg19) VCF-style: chr16-75682120-A-G.
Other names: short protein forms K114E.
Identifiers: ClinVar variation 3227166 (VCV003227166.1), dbSNP rs2507073665, ClinGen allele CA396817702.
Genomic context (GRCh38, chr16:75,648,222, plus strand): 5'-CTGGAGCTGGAGGCCTATCGGCTGGGCCCCGCCTCGGCGGCGGACACCGGCTCGGAAGCA[A>G]AGCCCGGGGCCCTGGCCGAGGGCGCCGCGGAGCCGGAGCCGCAGCGGCACGCCGGGCGGA-3'
Protein context (NP_061848.2, residues 104-124): ASAADTGSEA[Lys114Glu]PGALAEGAAE